The following is an entry in ClinVar:

ClinVar aggregate classification (germline): Uncertain significance. Review status: criteria provided, multiple submitters, no conflicts (2 of 4 stars). 3 submissions from 3 submitters: Uncertain significance (3). Last evaluated 2026-01-11.

Allele frequency attached by ClinVar (database versions not stated): TOPMed 0.00001; ESP Exome Variant Server 0.00008.

Submissions (3):

Labcorp Genetics (formerly Invitae), Labcorp
Classification: Uncertain significance. Last evaluated: 2026-01-11. Review status: criteria provided, single submitter. Criteria: Invitae Variant Classification Sherloc (09022015). Collection method: clinical testing. Allele origin: germline.
Comment: This sequence change replaces cysteine, which is neutral and slightly polar, with tyrosine, which is neutral and polar, at codon 336 of the LRP5 protein (p.Cys336Tyr). This variant is not present in population databases (gnomAD no frequency). This missense change has been observed in individual(s) with autosomal dominant exudative vitreoretinopathy (PMID: 36018796). ClinVar contains an entry for this variant (Variation ID: 1722917). Invitae Evidence Modeling of protein sequence and biophysical properties (such as structural, functional, and spatial information, amino acid conservation, physicochemical variation, residue mobility, and thermodynamic stability) indicates that this missense variant is expected to disrupt LRP5 protein function with a positive predictive value of 95%. In summary, the available evidence is currently insufficient to determine the role of this variant in disease. Therefore, it has been classified as a Variant of Uncertain Significance.

GeneDx
Classification: Uncertain significance. Last evaluated: 2022-04-30. Review status: criteria provided, single submitter. Criteria: GeneDx Variant Classification Process June 2021. Collection method: clinical testing. Allele origin: germline. Affected: yes.
Comment: Not observed at significant frequency in large population cohorts (gnomAD); In silico analysis supports that this missense variant has a deleterious effect on protein structure/function; Has not been previously published as pathogenic or benign to our knowledge

Blueprint Genetics
Classification: Uncertain significance. Last evaluated: 2021-05-17. Review status: criteria provided, single submitter. Criteria: ACMG Guidelines, 2015. Collection method: clinical testing. Allele origin: germline.

Literature cited by the submitters: PubMed 36018796 (cited by Labcorp Genetics (formerly Invitae), Labcorp).

NM_002335.4(LRP5):c.1007G>A (p.Cys336Tyr)

Gene: LRP5 (LDL receptor related protein 5; plus strand). Cytogenetic location: 11q13.2.
Variant type: single nucleotide variant.
Coding change: c.1007G>A on transcript NM_002335.4 (MANE Select); coding-DNA position 1007, G replaced by A.
Protein change: p.Cys336Tyr; replaces cysteine 336 with tyrosine.
Molecular consequence: missense variant. On other transcripts: 5 prime UTR variant (1).
Genome position (GRCh38, 1-based): chr11:68,365,694, G>A. VCF-style: chr11-68365694-G-A. GRCh37 (hg19) VCF-style: chr11-68133162-G-A.
Other names: c.-759G>A (NM_001291902.2); short protein forms C336Y.
Identifiers: ClinVar variation 1722917 (VCV001722917.8), dbSNP rs139896674, ClinGen allele CA224240723.